The following is an entry in ClinVar:

ClinVar aggregate classification (germline): Uncertain significance. Review status: criteria provided, multiple submitters, no conflicts (2 of 4 stars). 3 submissions from 3 submitters: Uncertain significance (3). Last evaluated 2026-07-23.

Conditions:
Polycystic kidney disease 8. Identifiers: MedGen C5935640, MONDO:0971178, OMIM 620903.
Nephronophthisis 9 (NPHP9). Identifiers: Orphanet 655, MedGen C3151188, MONDO:0013444, OMIM 613824.
Renal-hepatic-pancreatic dysplasia 2 (RHPD2). Identifiers: MedGen C3809434, MONDO:0014174, OMIM 615415.
NEK8-related disorder. Also called: NEK8-related condition.

Allele frequency attached by ClinVar (database versions not stated): TOPMed 0.00003; ExAC 0.00006; gnomAD 0.00006.

Submissions (3):

PreventionGenetics, part of Exact Sciences
Classification: Uncertain significance for NEK8-related condition. Last evaluated: 2026-07-23. Review status: criteria provided, single submitter. Criteria: ACMG Guidelines, 2015. Collection method: clinical testing. Allele origin: germline.
Comment: The NEK8 c.300G>A variant is not predicted to result in an amino acid change (p.=). This variant is predicted to alter splicing based on available splicing prediction programs (SpliceAI, Jaganathan et al. 2019. PubMed ID: 30661751). However, the use of computer prediction programs is not equivalent to functional evidence. To our knowledge, this variant has not been reported in the literature. This variant is reported in 0.020% of alleles in individuals of South Asian descent in gnomAD. At this time, the clinical significance of this variant is uncertain due to the absence of conclusive functional and genetic evidence.

Labcorp Genetics (formerly Invitae), Labcorp
Classification: Uncertain significance for Nephronophthisis 9. Last evaluated: 2025-07-07. Review status: criteria provided, single submitter. Criteria: Invitae Variant Classification Sherloc (09022015). Collection method: clinical testing. Allele origin: germline.
Comment: This sequence change affects codon 100 of the NEK8 mRNA. It is a 'silent' change, meaning that it does not change the encoded amino acid sequence of the NEK8 protein. This variant is present in population databases (rs749030398, gnomAD 0.02%). This variant has not been reported in the literature in individuals affected with NEK8-related conditions. ClinVar contains an entry for this variant (Variation ID: 2042527). Algorithms developed to predict the effect of sequence changes on RNA splicing suggest that this variant may create or strengthen a splice site. In summary, the available evidence is currently insufficient to determine the role of this variant in disease. Therefore, it has been classified as a Variant of Uncertain Significance.

Fulgent Genetics
Classification: Uncertain significance for Nephronophthisis 9; Renal-hepatic-pancreatic dysplasia 2; Polycystic kidney disease 8. Last evaluated: 2024-04-26. Review status: criteria provided, single submitter. Criteria: ACMG Guidelines, 2015. Collection method: clinical testing. Allele origin: germline.

NM_178170.3(NEK8):c.300G>A (p.Leu100=)

Gene: NEK8 (NIMA related kinase 8; plus strand). Cytogenetic location: 17q11.2.
Variant type: single nucleotide variant.
Coding change: c.300G>A on transcript NM_178170.3 (MANE Select); coding-DNA position 300, G replaced by A.
Protein change: p.Leu100=; no amino-acid change (leucine 100 retained).
Molecular consequence: synonymous variant.
Genome position (GRCh38, 1-based): chr17:28,734,818, G>A. VCF-style: chr17-28734818-G-A. GRCh37 (hg19) VCF-style: chr17-27061836-G-A.
Other names: c.300G>A (NM_178170.2).
Identifiers: ClinVar variation 2042527 (VCV002042527.5), dbSNP rs749030398, ClinGen allele CA8467060.